The following is an entry in ClinVar:

NM_003000.3(SDHB):c.643-1G>A

Gene: SDHB (succinate dehydrogenase complex iron sulfur subunit B; minus strand). Cytogenetic location: 1p36.13.
Variant type: single nucleotide variant.
Coding change: c.643-1G>A on transcript NM_003000.3 (MANE Select); the canonical splice acceptor site of the intron before coding-DNA position 643, G replaced by A.
Molecular consequence: splice acceptor variant.
Genome position (GRCh38, 1-based): chr1:17,022,731, C>T on the plus strand (G>A on the coding strand, the complement: SDHB is on the minus strand). VCF-style: chr1-17022731-C-T. GRCh37 (hg19) VCF-style: chr1-17349226-C-T.
Other names: c.589-1G>A (NM_001407361.1).
Identifiers: ClinVar variation 480809 (VCV000480809.6), dbSNP rs1553177292, ClinGen allele CA338270530.

ClinVar aggregate classification (germline): Likely pathogenic. Review status: criteria provided, multiple submitters, no conflicts (2 of 4 stars). 3 submissions from 3 submitters: Likely pathogenic (3). Last evaluated 2024-03-19.

Conditions:
Pheochromocytoma/paraganglioma syndrome 4. Also called: SDHB-Related Hereditary Paraganglioma-Pheochromocytoma Syndrome (Paragangliomas 4); SDHB-Related Hereditary Paraganglioma-Pheochromocytoma Syndrome; Paragangliomas 4; CAROTID BODY TUMORS AND MULTIPLE EXTRAADRENAL PHEOCHROMOCYTOMAS; PARAGANGLIOMA, FAMILIAL MALIGNANT; PARAGANGLIOMAS, HEREDITARY EXTRAADRENAL. Identifiers: Orphanet 29072, MedGen C1861848, MONDO:0007273, OMIM 115310.
Hereditary cancer-predisposing syndrome. Also called: Neoplastic Syndromes, Hereditary; Hereditary Cancer Syndrome; Hereditary neoplastic syndrome; Tumor predisposition. Identifiers: Orphanet 140162, MedGen C0027672, MeSH D009386, MONDO:0015356.

Submissions (3):

Molecular Pathology, Peter Maccallum Cancer Centre
Classification: Likely pathogenic for Pheochromocytoma/paraganglioma syndrome 4. Last evaluated: 2024-03-19. Review status: criteria provided, single submitter. Criteria: ACMG Guidelines, 2015. Collection method: clinical testing. Allele origin: germline. Inheritance: Autosomal dominant inheritance.

Myriad Genetics, Inc.
Classification: Likely pathogenic for Pheochromocytoma/paraganglioma syndrome 4. Last evaluated: 2024-02-08. Review status: criteria provided, single submitter. Criteria: Myriad Autosomal Dominant, Autosomal Recessive and X-Linked Classification Criteria (2023). Collection method: clinical testing. Allele origin: unknown.
Comment: This variant is considered likely pathogenic. This variant occurs within a consensus splice junction and is predicted to result in abnormal mRNA splicing of either an out-of-frame exon or an in-frame exon necessary for protein stability and/or normal function.

Ambry Genetics
Classification: Likely pathogenic for Hereditary cancer-predisposing syndrome. Last evaluated: 2018-03-20. Review status: criteria provided, single submitter. Criteria: Ambry Variant Classification Scheme 2023. Collection method: clinical testing. Allele origin: germline.
Comment: The c.643-1G>A intronic variant results from a G to A substitution one nucleotide upstream from coding exon 7 of the SDHB gene. This nucleotide position is highly conserved in available vertebrate species. Using the BDGP and ESEfinder splice site prediction tools, this alteration is predicted to abolish the native splice acceptor site; however, direct evidence is unavailable. Alterations that disrupt the canonical splice site are expected to cause aberrant splicing, resulting in an abnormal protein or a transcript that is subject to nonsense-mediated mRNA decay. As such, this alteration is classified as likely pathogenic.